The following is an entry in ClinVar:

ClinVar aggregate classification (germline): Uncertain significance (0 of 4 stars; one submission).

Conditions:
GPC4-related disorder. Also called: GPC4-related condition.

Submission:

PreventionGenetics, part of Exact Sciences
Classification: Uncertain significance for GPC4-related condition. Last evaluated: 2024-05-31. Review status: no assertion criteria provided. Collection method: clinical testing. Allele origin: germline.
Comment: The GPC4 c.655C>T variant is predicted to result in the amino acid substitution p.Arg219Cys. To our knowledge, this variant has not been reported in the literature or in gnomAD, indicating this variant is rare. At this time, the clinical significance of this variant is uncertain due to the absence of conclusive functional and genetic evidence.

NM_001448.3(GPC4):c.655C>T (p.Arg219Cys)

Gene: GPC4 (glypican 4; minus strand). Cytogenetic location: Xq26.2.
Variant type: single nucleotide variant.
Coding change: c.655C>T on transcript NM_001448.3 (MANE Select); coding-DNA position 655, C replaced by T.
Protein change: p.Arg219Cys; replaces arginine 219 with cysteine.
Molecular consequence: missense variant.
Genome position (GRCh38, 1-based): chrX:133,324,201, G>A on the plus strand (C>T on the coding strand, the complement: GPC4 is on the minus strand). VCF-style: chrX-133324201-G-A. GRCh37 (hg19) VCF-style: chrX-132458229-G-A.
Other names: short protein forms R219C.
Identifiers: ClinVar variation 3347018 (VCV003347018.1).